The following is an entry in ClinVar:

ClinVar aggregate classification (germline): Benign (1 of 4 stars; one submission).

Allele frequency attached by ClinVar (database versions not stated): 1000 Genomes Project 30x 0.30700; 1000 Genomes Project 0.30891; TOPMed 0.33548; gnomAD 0.34672.
gnomAD v4.1: 138,546 of 391,056 alleles (35%); highest among the groups gnomAD compares: South Asian, 43%; 25,864 homozygotes.

Submission:

GeneDx
Classification: Benign. Last evaluated: 2018-06-14. Review status: criteria provided, single submitter. Criteria: GeneDx Variant Classification (06012015). Collection method: clinical testing. Allele origin: germline. Affected: yes.
Comment: This variant is considered likely benign or benign based on one or more of the following criteria: it is a conservative change, it occurs at a poorly conserved position in the protein, it is predicted to be benign by multiple in silico algorithms, and/or has population frequency not consistent with disease.

NM_003384.3(VRK1):c.161-145A>G

Gene: VRK1 (VRK serine/threonine kinase 1; plus strand). Cytogenetic location: 14q32.2.
Variant type: single nucleotide variant.
Coding change: c.161-145A>G on transcript NM_003384.3 (MANE Select); 145 bases into the intron before coding-DNA position 161, A replaced by G.
Molecular consequence: intron variant.
Genome position (GRCh38, 1-based): chr14:96,837,617, A>G. VCF-style: chr14-96837617-A-G. GRCh37 (hg19) VCF-style: chr14-97303954-A-G.
Identifiers: ClinVar variation 670272 (VCV000670272.1), dbSNP rs4905550, ClinGen allele CA15806541.